The following is an entry in ClinVar:

ClinVar aggregate classification (germline): Uncertain significance (1 of 4 stars; one submission).

Submission:

Labcorp Genetics (formerly Invitae), Labcorp
Classification: Uncertain significance. Last evaluated: 2022-10-10. Review status: criteria provided, single submitter. Criteria: Invitae Variant Classification Sherloc (09022015). Collection method: clinical testing. Allele origin: germline.
Comment: In summary, the available evidence is currently insufficient to determine the role of this variant in disease. Therefore, it has been classified as a Variant of Uncertain Significance. This sequence change falls in intron 6 of the CNGA3 gene. It does not directly change the encoded amino acid sequence of the CNGA3 protein. Information on the frequency of this variant in the gnomAD database is not available, as this variant may be reported differently in the database. This variant has not been reported in the literature in individuals affected with CNGA3-related conditions. Experimental studies and prediction algorithms are not available or were not evaluated, and the effect of this variant on mRNA splicing is currently unknown.

NM_001298.3(CNGA3):c.567-13_567-12delinsCA

Gene: CNGA3 (cyclic nucleotide gated channel subunit alpha 3; plus strand). Cytogenetic location: 2q11.2.
Variant type: Indel.
Coding change: c.567-13_567-12delinsCA on transcript NM_001298.3 (MANE Select); 13 bases into the intron before coding-DNA position 567 through 12 bases into the intron before coding-DNA position 567, AT replaced by CA.
Molecular consequence: intron variant.
Genome position (GRCh38, 1-based): chr2:98,391,851-98,391,852, AT replaced by CA. VCF-style: chr2-98391851-AT-CA. GRCh37 (hg19) VCF-style: chr2-99008314-AT-CA.
Other names: c.513-13_513-12delinsCA (NM_001079878.2).
Identifiers: ClinVar variation 2031481 (VCV002031481.4), dbSNP rs2467017286, ClinGen allele CA2580068353.
Genomic context (GRCh38, chr2:98,391,851, plus strand): 5'-CGTGCCCACAGGTGGGTGGTCCACGCTCCAGAAACACACGCACAGCCATCCATCTCCCAC[AT>CA]GGCTTCTTTAGGGCCTGTTTCGATGAGCTGCAGTCCGAGTACCTGATGCTGTGGCTGGTC-3'